The following is an entry in ClinVar:

NM_002615.7(SERPINF1):c.1008del (p.Leu337fs)

Gene: SERPINF1 (serpin family F member 1; plus strand). Cytogenetic location: 17p13.3.
Variant type: Deletion.
Coding change: c.1008del on transcript NM_002615.7 (MANE Select); coding-DNA position 1008, one base deleted (C; older notation c.1008delC).
Protein change: p.Leu337fs; shifts the reading frame from leucine 337.
Molecular consequence: frameshift variant.
Genome position (GRCh38, 1-based): chr17:1,777,197, C deleted; the last of 2 consecutive C bases (chr17:1,777,196-1,777,197); deleting either gives the same sequence. VCF-style (leftmost placement, unchanged base first): chr17-1777195-TC-T. GRCh37 (hg19) VCF-style: chr17-1680489-TC-T.
Other names: c.1008del, p.Leu337fs (NM_001329903.2); c.447del, p.Leu150fs (NM_001329904.2, NM_001329905.2); short protein forms L150fs, L337fs.
Identifiers: ClinVar variation 2023031 (VCV002023031.4), dbSNP rs2543494650, ClinGen allele CA2580092463.

ClinVar aggregate classification (germline): Pathogenic (1 of 4 stars; one submission).

Submission:

Labcorp Genetics (formerly Invitae), Labcorp
Classification: Pathogenic. Last evaluated: 2025-07-21. Review status: criteria provided, single submitter. Criteria: Invitae Variant Classification Sherloc (09022015). Collection method: clinical testing. Allele origin: germline.
Comment: This sequence change creates a premature translational stop signal (p.Leu337Cysfs*17) in the SERPINF1 gene. While this is not anticipated to result in nonsense mediated decay, it is expected to disrupt the last 82 amino acid(s) of the SERPINF1 protein. This variant is not present in population databases (gnomAD no frequency). This variant has not been reported in the literature in individuals affected with SERPINF1-related conditions. ClinVar contains an entry for this variant (Variation ID: 2023031). This variant disrupts a region of the SERPINF1 protein in which other variant(s) (p.Asp342Thrfs*12) have been determined to be pathogenic (internal data). This suggests that this is a clinically significant region of the protein, and that variants that disrupt it are likely to be disease-causing. For these reasons, this variant has been classified as Pathogenic.